The following is an entry in ClinVar:

NM_004646.4(NPHS1):c.3482-7A>T

Gene: NPHS1 (NPHS1 adhesion molecule, nephrin; minus strand). Cytogenetic location: 19q13.12.
Variant type: single nucleotide variant.
Coding change: c.3482-7A>T on transcript NM_004646.4 (MANE Select); 7 bases into the intron before coding-DNA position 3482, A replaced by T.
Molecular consequence: intron variant.
Genome position (GRCh38, 1-based): chr19:35,830,963, T>A on the plus strand (A>T on the coding strand, the complement: NPHS1 is on the minus strand). VCF-style: chr19-35830963-T-A. GRCh37 (hg19) VCF-style: chr19-36321865-T-A.
Identifiers: ClinVar variation 259499 (VCV000259499.20), dbSNP rs73928326, ClinGen allele CA9389731.

ClinVar aggregate classification (germline): Benign/Likely benign. Review status: criteria provided, multiple submitters, no conflicts (2 of 4 stars). 8 submissions from 8 submitters: Benign (3); Likely benign (5). Last evaluated 2026-01-19.

Conditions:
Finnish congenital nephrotic syndrome (NPHS1). Also called: NEPHROTIC SYNDROME, TYPE 1. Identifiers: Orphanet 839, MedGen C0403399, MONDO:0009732, OMIM 256300.
Focal segmental glomerulosclerosis (FSGS). Also called: Glomerulosclerosis, focal; Focal sclerosis with hyalinosis. Identifiers: MedGen C0017668, MONDO:0100313, HP:0000097. Disease mechanism: loss of function.

Allele frequency attached by ClinVar (database versions not stated): gnomAD exomes 0.00043 and 0.00107; ExAC 0.00124; 1000 Genomes Project 0.00359; 1000 Genomes Project 30x 0.00359; TOPMed 0.00364; ESP Exome Variant Server 0.00531.
gnomAD v4.1: 1,219 of 1,609,922 alleles (0.076%); highest among the groups gnomAD compares: African/African-American, 1.3%; 6 homozygotes.

Submissions (8):

Labcorp Genetics (formerly Invitae), Labcorp
Classification: Benign. Last evaluated: 2026-01-19. Review status: criteria provided, single submitter. Criteria: Invitae Variant Classification Sherloc (09022015). Collection method: clinical testing. Allele origin: germline.

Blueprint Genetics
Classification: Likely benign. Last evaluated: 2024-11-11. Review status: criteria provided, single submitter. Criteria: ACMG Guidelines, 2015. Collection method: clinical testing. Allele origin: germline.

Women's Health and Genetics/Laboratory Corporation of America, LabCorp
Classification: Benign. Last evaluated: 2022-09-04. Review status: criteria provided, single submitter. Criteria: LabCorp Variant Classification Summary - May 2015. Collection method: clinical testing. Allele origin: germline.
Comment: Variant summary: NPHS1 c.3482-7A>T alters a non-conserved nucleotide located close to a canonical splice site and therefore could affect mRNA splicing, leading to a significantly altered protein sequence. 4/4 computational tools predict no significant impact on normal splicing. However, these predictions have yet to be confirmed by functional studies. The variant allele was found at a frequency of 0.0011 in 251472 control chromosomes, predominantly at a frequency of 0.013 within the African or African-American subpopulation in the gnomAD database. The observed variant frequency within African or African-American control individuals in the gnomAD database is approximately 3.88 fold of the estimated maximal expected allele frequency for a pathogenic variant in NPHS1 causing Nephrotic Syndrome, Type 1 phenotype (0.0034), strongly suggesting that the variant is a benign polymorphism found primarily in populations of African or African-American origin. To our knowledge, no occurrence of c.3482-7A>T in individuals affected with Nephrotic Syndrome, Type 1 and no experimental evidence demonstrating its impact on protein function have been reported. Three clinical diagnostic laboratories have submitted clinical-significance assessments for this variant to ClinVar after 2014 without evidence for independent evaluation. All laboratories classified the variant as benign/likely benign. Based on the evidence outlined above, the variant was classified as benign.

Genome Diagnostics Laboratory, The Hospital for Sick Children
Classification: Likely benign for Focal segmental glomerulosclerosis. Last evaluated: 2021-09-08. Review status: criteria provided, single submitter. Criteria: ACMG Guidelines, 2015. Collection method: clinical testing. Allele origin: germline.

Fulgent Genetics
Classification: Likely benign for Finnish congenital nephrotic syndrome. Last evaluated: 2021-07-28. Review status: criteria provided, single submitter. Criteria: ACMG Guidelines, 2015. Collection method: clinical testing. Allele origin: unknown.

GeneDx
Classification: Likely benign. Last evaluated: 2020-03-11. Review status: criteria provided, single submitter. Criteria: GeneDx Variant Classification Process June 2021. Collection method: clinical testing. Allele origin: germline. Affected: yes.

Athena Diagnostics
Classification: Likely benign. Last evaluated: 2018-11-29. Review status: criteria provided, single submitter. Criteria: Athena Diagnostics Criteria. Collection method: clinical testing. Allele origin: germline.

PreventionGenetics, part of Exact Sciences
Classification: Benign. Review status: criteria provided, single submitter. Criteria: ACMG Guidelines, 2015. Collection method: clinical testing. Allele origin: germline.